The following is an entry in ClinVar:

NM_000312.4(PROC):c.445dup (p.His149fs)

Gene: PROC (protein C, inactivator of coagulation factors Va and VIIIa; plus strand). Cytogenetic location: 2q14.3.
Variant type: Duplication.
Coding change: c.445dup on transcript NM_000312.4 (MANE Select); coding-DNA position 445, one base duplicated (C; older notation c.445dupC).
Protein change: p.His149fs; shifts the reading frame from histidine 149.
Molecular consequence: frameshift variant. On other transcripts: intron variant (1).
Genome position (GRCh38, 1-based): chr2:127,423,318, C duplicated. VCF-style (leftmost placement, unchanged base first): chr2-127423317-G-GC. GRCh37 (hg19) VCF-style: chr2-128180893-G-GC.
Other names: p.His149Profs*13; c.628dup, p.His210fs (NM_001375602.1); c.610dup, p.His204fs (NM_001375603.1); c.508dup, p.His170fs (NM_001375604.1); c.547dup, p.His183fs (NM_001375605.1); c.613dup, p.His205fs (NM_001375606.1); c.631dup, p.His211fs (NM_001375607.1); c.421dup, p.His141fs (NM_001375609.1); and 5 more; short protein forms H183fs, H210fs, H211fs, H147fs, H205fs, H141fs, H170fs, H204fs.
Identifiers: ClinVar variation 1389677 (VCV001389677.12), dbSNP rs772629538, ClinGen allele CA1859353.

ClinVar aggregate classification (germline): Pathogenic. Review status: criteria provided, multiple submitters, no conflicts (2 of 4 stars). 5 submissions from 5 submitters: Pathogenic (5). Last evaluated 2026-09-16.

Conditions:
Thrombophilia due to protein C deficiency, autosomal dominant. Also called: PROC DEFICIENCY, AUTOSOMAL DOMINANT; PROTEIN C DEFICIENCY, AUTOSOMAL DOMINANT. Identifiers: Orphanet 745, MedGen C2674321, MONDO:0008316, OMIM 176860. Disease mechanism: loss of function.
PROC-related disorder. Also called: PROC-related condition.

Allele frequency attached by ClinVar (database versions not stated): gnomAD exomes 0.00001; TOPMed 0.00001; ExAC 0.00006.

Submissions (5):

PreventionGenetics, part of Exact Sciences
Classification: Pathogenic for PROC-related condition. Last evaluated: 2026-09-16. Review status: criteria provided, single submitter. Criteria: ACMG Guidelines, 2015. Collection method: clinical testing. Allele origin: germline.
Comment: The PROC c.445dupC variant is predicted to result in a frameshift and premature protein termination (p.His149Profs*13). This variant, also referred to as Protein C Vermont and His107Pro, has been reported in a large kindred with Protein C Deficiency (Tomczak et al. 1994. PubMed ID: 7913773). This variant is reported in 0.0019% of alleles in individuals of European (Non-Finnish) descent in gnomAD. Frameshift variants in PROC are expected to be pathogenic. This variant is interpreted as pathogenic.

Mayo Clinic Laboratories, Mayo Clinic
Classification: Pathogenic. Last evaluated: 2025-05-07. Review status: criteria provided, single submitter. Criteria: ACMG Guidelines, 2015. Collection method: clinical testing. Allele origin: germline. Observed: 3 variant alleles.
Comment: PP1_strong, PM2_supporting, PS4_moderate, PVS1

Blueprint Genetics
Classification: Pathogenic for PROC-related disorders. Last evaluated: 2024-05-14. Review status: criteria provided, single submitter. Criteria: ACMG Guidelines, 2015. Collection method: clinical testing. Allele origin: germline. Affected: yes. Observed: 5 variant alleles.

Labcorp Genetics (formerly Invitae), Labcorp
Classification: Pathogenic for Thrombophilia due to protein C deficiency, autosomal dominant. Last evaluated: 2024-03-26. Review status: criteria provided, single submitter. Criteria: Invitae Variant Classification Sherloc (09022015). Collection method: clinical testing. Allele origin: germline.
Comment: This sequence change creates a premature translational stop signal (p.His149Profs*13) in the PROC gene. It is expected to result in an absent or disrupted protein product. Loss-of-function variants in PROC are known to be pathogenic (PMID: 17152060). This variant is present in population databases (rs772629538, gnomAD 0.002%). This premature translational stop signal has been observed in individual(s) with protein C deficiency (PMID: 7913773). It has also been observed to segregate with disease in related individuals. This variant is also known as p.His107Profs and PC Vermont IIb. ClinVar contains an entry for this variant (Variation ID: 1389677). For these reasons, this variant has been classified as Pathogenic.

Molecular Diagnostics Laboratory, M Health Fairview: University of Minnesota
Classification: Pathogenic for Thrombophilia due to protein C deficiency, autosomal dominant. Last evaluated: 2023-07-05. Review status: criteria provided, single submitter. Criteria: ACMG Guidelines, 2015. Collection method: clinical testing. Allele origin: germline. Affected: yes.

Literature cited by the submitters: PubMed 21621249 (cited by Mayo Clinic Laboratories, Mayo Clinic); PubMed 7913773 (cited by Mayo Clinic Laboratories, Mayo Clinic and Labcorp Genetics (formerly Invitae), Labcorp); PubMed 9683579 (cited by Mayo Clinic Laboratories, Mayo Clinic); PubMed 17152060 (cited by Labcorp Genetics (formerly Invitae), Labcorp).